The following is an entry in ClinVar:

ClinVar aggregate classification (germline): Uncertain significance (1 of 4 stars; one submission).

Submission:

GeneDx
Classification: Uncertain significance. Last evaluated: 2026-04-29. Review status: criteria provided, single submitter. Criteria: GeneDx Variant Classification Process June 2021. Collection method: clinical testing. Allele origin: germline.
Comment: Not observed at significant frequency in large population cohorts (gnomAD); In silico analysis supports that this missense variant has a deleterious effect on protein structure/function; Has not been previously published as pathogenic or benign to our knowledge

NM_007192.4(SUPT16H):c.1774G>A (p.Ala592Thr)

Gene: SUPT16H (SPT16 homolog, facilitates chromatin remodeling subunit; minus strand). Cytogenetic location: 14q11.2.
Variant type: single nucleotide variant.
Coding change: c.1774G>A on transcript NM_007192.4 (MANE Select); coding-DNA position 1774, G replaced by A.
Protein change: p.Ala592Thr; replaces alanine 592 with threonine.
Molecular consequence: missense variant.
Genome position (GRCh38, 1-based): chr14:21,362,216, C>T on the plus strand (G>A on the coding strand, the complement: SUPT16H is on the minus strand). VCF-style: chr14-21362216-C-T. GRCh37 (hg19) VCF-style: chr14-21830375-C-T.
Other names: short protein forms A592T.
Identifiers: ClinVar variation 3252922 (VCV003252922.2), dbSNP rs2503028735.